The following is an entry in ClinVar:

ClinVar aggregate classification (germline): Uncertain significance (1 of 4 stars; one submission).

Allele frequency attached by ClinVar (database versions not stated): gnomAD exomes below 0.00001; TOPMed below 0.00001.
gnomAD v4.1: 1 of 1,613,460 alleles (0.000062%); highest among the groups gnomAD compares: South Asian, 0.0011%; no homozygotes.

Submission:

Labcorp Genetics (formerly Invitae), Labcorp
Classification: Uncertain significance. Last evaluated: 2022-12-06. Review status: criteria provided, single submitter. Criteria: Invitae Variant Classification Sherloc (09022015). Collection method: clinical testing. Allele origin: germline.
Comment: This sequence change replaces glutamic acid, which is acidic and polar, with lysine, which is basic and polar, at codon 49 of the SZT2 protein (p.Glu49Lys). This variant is present in population databases (no rsID available, gnomAD 0.003%). This variant has not been reported in the literature in individuals affected with SZT2-related conditions. ClinVar contains an entry for this variant (Variation ID: 1038844). Advanced modeling of protein sequence and biophysical properties (such as structural, functional, and spatial information, amino acid conservation, physicochemical variation, residue mobility, and thermodynamic stability) performed at Invitae indicates that this missense variant is not expected to disrupt SZT2 protein function. In summary, the available evidence is currently insufficient to determine the role of this variant in disease. Therefore, it has been classified as a Variant of Uncertain Significance.

NM_001365999.1(SZT2):c.145G>A (p.Glu49Lys)

Gene: SZT2 (SZT2 subunit of KICSTOR complex; plus strand). Cytogenetic location: 1p34.2.
Variant type: single nucleotide variant.
Coding change: c.145G>A on transcript NM_001365999.1 (MANE Select); coding-DNA position 145, G replaced by A.
Protein change: p.Glu49Lys; replaces glutamic acid 49 with lysine.
Molecular consequence: missense variant.
Genome position (GRCh38, 1-based): chr1:43,403,294, G>A. VCF-style: chr1-43403294-G-A. GRCh37 (hg19) VCF-style: chr1-43868965-G-A.
Other names: c.145G>A, p.Glu49Lys (NM_015284.4); short protein forms E49K.
Identifiers: ClinVar variation 1038844 (VCV001038844.8), dbSNP rs1182393830, ClinGen allele CA339995333.
Genomic context (GRCh38, chr1:43,403,294, plus strand): 5'-AATGTTCGCCTGGCTTGGTTCCTCAGTCATCTGCACCAAACTGTGCAGGCCACACCCCAG[G>A]AGATGCTGGTGAGGCTTAGACACACGAAAGGTGTGAGGGGCCAGCCCAGAAGGATCTGTT-3'
Protein context (NP_001352928.1, residues 39-59): LHQTVQATPQ[Glu49Lys]MLLQSEQELE